The following is an entry in ClinVar:

ClinVar aggregate classification (germline): Likely benign (1 of 4 stars; one submission).

Submission:

CeGaT Center for Human Genetics Tuebingen
Classification: Likely benign. Last evaluated: 2024-01-01. Review status: criteria provided, single submitter. Criteria: CeGaT Center For Human Genetics Tuebingen Variant Classification Criteria Version 2. Collection method: clinical testing. Allele origin: germline. Affected: yes. Observed: 1 variant allele.
Comment: BCORL1: PM2:Supporting, BP4, BP7

NM_001379451.1(BCORL1):c.4413G>A (p.Glu1471=)

Gene: BCORL1 (BCL6 corepressor like 1; plus strand). Cytogenetic location: Xq26.1.
Variant type: single nucleotide variant.
Coding change: c.4413G>A on transcript NM_001379451.1 (MANE Select); coding-DNA position 4413, G replaced by A.
Protein change: p.Glu1471=; no amino-acid change (glutamic acid 1471 retained).
Molecular consequence: synonymous variant. On other transcripts: intron variant (1).
Genome position (GRCh38, 1-based): chrX:130,034,562, G>A. VCF-style: chrX-130034562-G-A. GRCh37 (hg19) VCF-style: chrX-129168537-G-A.
Other names: c.4306-2805G>A (NM_021946.5); c.4413G>A, p.Glu1471= (NM_001184772.3, NM_001379450.1).
Identifiers: ClinVar variation 3026856 (VCV003026856.22), dbSNP rs1036726909, ClinGen allele CA335100425.